The following is an entry in ClinVar:

ClinVar aggregate classification (germline): Likely pathogenic. Review status: criteria provided, multiple submitters, no conflicts (2 of 4 stars). 2 submissions from 2 submitters: Likely pathogenic (2). Last evaluated 2024-03-29.

Conditions:
Hermansky-Pudlak syndrome (HPS). Also called: ALBINISM WITH HEMORRHAGIC DIATHESIS AND PIGMENTED RETICULOENDOTHELIAL CELLS. Identifiers: Orphanet 79430, MedGen C0079504, MONDO:0019312.
Hermansky-Pudlak syndrome 3 (HPS3). Identifiers: Orphanet 231512, Orphanet 79430, MedGen C3888001, MONDO:0013555, OMIM 614072.

Submissions (2):

Natera, Inc.
Classification: Likely pathogenic for Hermansky-Pudlak syndrome. Last evaluated: 2024-03-29. Review status: criteria provided, single submitter. Criteria: Natera Variant Classification Schema (03/2026). Collection method: clinical testing. Allele origin: germline.
Comment: The c.288_289delTA variant in HPS3 is a frameshift variant predicted to shift the reading frame beginning at codon 96 and leads to a stop codon 4 codons downstream. This variant is expected to result in nonsense mediated decay, truncation, or a dysfunctional protein product. This variant is rare in the general population with a frequency below the threshold expected for the associated phenotype(s). Given the available evidence, this variant is classified as Likely Pathogenic.

Myriad Genetics, Inc.
Classification: Likely pathogenic for Hermansky-Pudlak syndrome 3. Last evaluated: 2021-11-14. Review status: criteria provided, single submitter. Criteria: Myriad Women's Health Autosomal Recessive and X-Linked Classification Criteria (2021). Collection method: clinical testing. Allele origin: unknown.
Comment: NM_032383.3(HPS3):c.288_289delTA(N96Kfs*4) is expected to be pathogenic in the context of Hermansky-Pudlak syndrome type 3. This variant is predicted to lead to an abnormal or absent protein product due to the creation of a premature termination codon in HPS3, a gene where loss-of-function variants are known to be pathogenic. Please note: this variant was assessed in the context of healthy population screening.

NM_032383.5(HPS3):c.288_289del (p.Asn96fs)

Gene: HPS3 (HPS3 biogenesis of lysosomal organelles complex 2 subunit 1; plus strand). Cytogenetic location: 3q24.
Variant type: Deletion.
Coding change: c.288_289del on transcript NM_032383.5 (MANE Select); coding-DNA positions 288 to 289, 2 bases deleted (TA; older notation c.288_289delTA).
Protein change: p.Asn96fs; shifts the reading frame from asparagine 96.
Molecular consequence: frameshift variant. On other transcripts: intron variant (1).
Genome position (GRCh38, 1-based): chr3:149,140,074-149,140,075, TA deleted; deleting any 2 consecutive bases within chr3:149,140,073-149,140,075 gives the same sequence; the c. name uses the placement nearest the transcript's 3' end. VCF-style (leftmost placement, unchanged base first): chr3-149140072-AAT-A. GRCh37 (hg19) VCF-style: chr3-148857859-AAT-A.
Other names: c.288_289delTA (NM_032383.4); c.218-943_218-942del (NM_001308258.2); short protein forms N96fs.
Identifiers: ClinVar variation 1724505 (VCV001724505.3), dbSNP rs2473067970, ClinGen allele CA2580068934.